The following is an entry in ClinVar:

ClinVar aggregate classification (germline): Uncertain significance. Review status: criteria provided, multiple submitters, no conflicts (2 of 4 stars). 2 submissions from 2 submitters: Uncertain significance (2). Last evaluated 2025-04-30.

Conditions:
Inborn genetic diseases. Identifiers: MedGen C0950123, MeSH D030342.

Allele frequency attached by ClinVar (database versions not stated): gnomAD exomes below 0.00001 and 0.00001; ExAC 0.00001; ESP Exome Variant Server 0.00008; TOPMed 0.00008; gnomAD 0.00013 and 0.00014.
gnomAD v4.1: 27 of 1,614,040 alleles (0.0017%); highest among the groups gnomAD compares: African/African-American, 0.027%; no homozygotes.

Submissions (2):

Ambry Genetics
Classification: Uncertain significance for Inborn genetic diseases. Last evaluated: 2025-04-30. Review status: criteria provided, single submitter. Criteria: Ambry Variant Classification Scheme 2023. Collection method: clinical testing. Allele origin: germline.

Labcorp Genetics (formerly Invitae), Labcorp
Classification: Uncertain significance. Last evaluated: 2022-06-20. Review status: criteria provided, single submitter. Criteria: Invitae Variant Classification Sherloc (09022015). Collection method: clinical testing. Allele origin: germline.
Comment: In summary, the available evidence is currently insufficient to determine the role of this variant in disease. Therefore, it has been classified as a Variant of Uncertain Significance. Algorithms developed to predict the effect of missense changes on protein structure and function are either unavailable or do not agree on the potential impact of this missense change (SIFT: "Tolerated"; PolyPhen-2: "Possibly Damaging"; Align-GVGD: "Class C0"). This sequence change replaces leucine, which is neutral and non-polar, with methionine, which is neutral and non-polar, at codon 969 of the ATP8A2 protein (p.Leu969Met). This variant is present in population databases (rs369850534, gnomAD 0.02%). This variant has not been reported in the literature in individuals affected with ATP8A2-related conditions.

NM_016529.6(ATP8A2):c.2905T>A (p.Leu969Met)

Gene: ATP8A2 (ATPase phospholipid transporting 8A2). Cytogenetic location: 13q12.13.
Variant type: single nucleotide variant.
Coding change: c.2905T>A on transcript NM_016529.6 (MANE Select); coding-DNA position 2905, T replaced by A.
Protein change: p.Leu969Met; replaces leucine 969 with methionine.
Molecular consequence: missense variant.
Genome position (GRCh38, 1-based): chr13:25,839,573, T>A. VCF-style: chr13-25839573-T-A. GRCh37 (hg19) VCF-style: chr13-26413711-T-A.
Other names: c.2710T>A, p.Leu904Met (NM_001313741.1); c.2905T>A (NM_016529.4); short protein forms L969M, L904M.
Identifiers: ClinVar variation 1384068 (VCV001384068.7), dbSNP rs369850534, ClinGen allele CA6923487.
Genomic context (GRCh38, chr13:25,839,573, plus strand): 5'-AGCTCCTGACTCCCTTGGTTTGTTTTTCCTTAGGTTTTCTGGGGTCACTGCATCAACGCC[T>A]TGGTCCACTCCCTCATCCTCTTCTGGTTTCCCATGAAAGCTCTGGAGCATGGTAAGGGCT-3'
Protein context (NP_057613.4, residues 959-979): KVFWGHCINA[Leu969Met]VHSLILFWFP